The following is an entry in ClinVar:

NM_001122769.3(LCA5):c.1518C>T (p.Pro506=)

Gene: LCA5 (lebercilin LCA5; minus strand). Cytogenetic location: 6q14.1.
Variant type: single nucleotide variant.
Coding change: c.1518C>T on transcript NM_001122769.3 (MANE Select); coding-DNA position 1518, C replaced by T.
Protein change: p.Pro506=; no amino-acid change (proline 506 retained).
Molecular consequence: synonymous variant.
Genome position (GRCh38, 1-based): chr6:79,487,580, G>A on the plus strand (C>T on the coding strand, the complement: LCA5 is on the minus strand). VCF-style: chr6-79487580-G-A. GRCh37 (hg19) VCF-style: chr6-80197297-G-A.
Other names: c.1518C>T, p.Pro506= (NM_181714.4).
Identifiers: ClinVar variation 783238 (VCV000783238.12), dbSNP rs769091728, ClinGen allele CA3900817.
Genomic context (GRCh38, chr6:79,487,580, plus strand): 5'-GTCTTGCAAATGATGCCCATTAAATAATCTCTCTGAGGATTCAGAGAACCTGTATGTTTT[G>A]GGGCTTCTCTCTGGGGAGTGTAGTTTTGATTCAAAATCAGGTAACAATGGCAAAACAGGG-3'
Protein context (NP_001116241.1, residues 496-516): ESKLHSPERS[Pro506=]KTYRFSESSE

ClinVar aggregate classification (germline): Likely benign. Review status: criteria provided, multiple submitters, no conflicts (2 of 4 stars). 3 submissions from 3 submitters: Likely benign (2). 1 of the submissions does not count toward it. Last evaluated 2026-07-17.

Conditions:
LCA5-related disorder. Also called: LCA5-related condition.
Leber congenital amaurosis 5 (LCA5). Also called: Amaurosis congenita of Leber, type 5. Identifiers: Orphanet 65, MedGen C1858301, MONDO:0011473, OMIM 604537.

Allele frequency attached by ClinVar (database versions not stated): gnomAD 0.00001; TOPMed 0.00002; ExAC 0.00003; gnomAD exomes 0.00005 and 0.00010.
gnomAD v4.1: 31 of 1,613,874 alleles (0.0019%); highest among the groups gnomAD compares: Admixed American, 0.052%; no homozygotes.

Submissions (3):

PreventionGenetics, part of Exact Sciences
Classification: Likely benign for LCA5-related condition. Last evaluated: 2026-07-17. Review status: criteria provided, single submitter. Criteria: ACMG Guidelines, 2015. Collection method: clinical testing. Allele origin: germline.
Comment: This variant is classified as likely benign based on ACMG/AMP sequence variant interpretation guidelines (Richards et al. 2015 PMID: 25741868, with internal and published modifications).

Labcorp Genetics (formerly Invitae), Labcorp
Classification: Likely benign. Last evaluated: 2024-07-01. Review status: criteria provided, single submitter. Criteria: Invitae Variant Classification Sherloc (09022015). Collection method: clinical testing. Allele origin: germline.

Natera, Inc.
Classification: Likely benign for Leber congenital amaurosis type 5. Last evaluated: 2020-10-27. Review status: no assertion criteria provided. Collection method: clinical testing. Allele origin: germline. Not counted in ClinVar's aggregate classification.